The following is an entry in ClinVar:

NM_152641.4(ARID2):c.2212C>A (p.Pro738Thr)

Gene: ARID2 (AT-rich interaction domain 2; plus strand). Cytogenetic location: 12q12.
Variant type: single nucleotide variant.
Coding change: c.2212C>A on transcript NM_152641.4 (MANE Select); coding-DNA position 2212, C replaced by A.
Protein change: p.Pro738Thr; replaces proline 738 with threonine.
Molecular consequence: missense variant.
Genome position (GRCh38, 1-based): chr12:45,850,335, C>A. VCF-style: chr12-45850335-C-A. GRCh37 (hg19) VCF-style: chr12-46244118-C-A.
Other names: c.2212C>A, p.Pro738Thr (NM_001347839.2); short protein forms P738T.
Identifiers: ClinVar variation 4688795 (VCV004688795.1).
Genomic context (GRCh38, chr12:45,850,335, plus strand): 5'-GTTATCCAGAATTCCATACCCCAGACAGGAGTTCCTGTTAGTATTGCTGTTGGAGGAGGA[C>A]CTCCACAGAGTTCTGTTGTTCAGAATCATAGTACAGGGCCACAACCTGTTACAGTTGTGA-3'
Protein context (NP_689854.2, residues 728-748): VPVSIAVGGG[Pro738Thr]PQSSVVQNHS

ClinVar aggregate classification (germline): Uncertain significance (1 of 4 stars; one submission).

Submission:

Women's Health and Genetics/Laboratory Corporation of America, LabCorp
Classification: Uncertain significance. Last evaluated: 2025-12-31. Review status: criteria provided, single submitter. Criteria: LabCorp Variant Classification Summary - May 2015. Collection method: clinical testing. Allele origin: germline.
Comment: Variant summary: ARID2 c.2212C>A (p.Pro738Thr) results in a non-conservative amino acid change in the encoded protein sequence. Algorithms developed to predict the effect of missense changes on protein structure and function are either unavailable or do not agree on the potential impact of this missense change. The variant allele was found at a frequency of 4e-06 in 250714 control chromosomes. The available data on variant occurrences in the general population are insufficient to allow any conclusion about variant significance. To our knowledge, no occurrence of c.2212C>A in individuals affected with ARID2-related conditions and no experimental evidence demonstrating its impact on protein function have been reported. No submitters have cited clinical-significance assessments for this variant to ClinVar. Based on the evidence outlined above, the variant was classified as uncertain significance.